The following is an entry in ClinVar:

NM_000275.3(OCA2):c.1551C>T (p.Cys517=)

Gene: OCA2 (OCA2 melanosomal transmembrane protein; minus strand). Cytogenetic location: 15q13.1.
Variant type: single nucleotide variant.
Coding change: c.1551C>T on transcript NM_000275.3 (MANE Select); coding-DNA position 1551, C replaced by T.
Protein change: p.Cys517=; no amino-acid change (cysteine 517 retained).
Molecular consequence: synonymous variant.
Genome position (GRCh38, 1-based): chr15:27,966,775, G>A on the plus strand (C>T on the coding strand, the complement: OCA2 is on the minus strand). VCF-style: chr15-27966775-G-A. GRCh37 (hg19) VCF-style: chr15-28211921-G-A.
Other names: c.1479C>T, p.Cys493= (NM_001300984.2).
Identifiers: ClinVar variation 255722 (VCV000255722.27), dbSNP rs1800411, ClinGen allele CA7438993.
Genomic context (GRCh38, chr15:27,966,775, plus strand): 5'-ATAAAGCTTTCTGTTCCAGTAAAGGAGTCTGAGGAGCGGAAAGCAGACCAGGAGAACAAG[G>A]CAAATCCCAATGAACATGTGTGCAGTGAATCCGGCAAAGTCCAGGCCCTGGAAATAAACA-3'
Protein context (NP_000266.2, residues 507-527): GFTAHMFIGI[Cys517=]LVLLVCFPLL

ClinVar aggregate classification (germline): Benign/Likely benign. Review status: criteria provided, multiple submitters, no conflicts (2 of 4 stars). 10 submissions from 10 submitters: Benign (7); Likely benign (1). 2 of the submissions do not count toward it. Last evaluated 2026-02-04.

Conditions:
Tyrosinase-positive oculocutaneous albinism (OCA2). Also called: ALBINISM II; Oculocutaneous albinism type 2; Albinism, oculocutaneous, type II. Identifiers: Orphanet 79432, MedGen C0268495, MONDO:0008746, OMIM 203200.

Allele frequency attached by ClinVar (database versions not stated): 1000 Genomes Project 0.36402; 1000 Genomes Project 30x 0.36946; TOPMed 0.50464; gnomAD 0.53486 and 0.54427; gnomAD exomes 0.55460 and 0.65389; ExAC 0.56384; ESP Exome Variant Server 0.56705.
gnomAD v4.1: 1,033,778 of 1,612,640 alleles (64%); highest among the groups gnomAD compares: Non-Finnish European, 71%; 352,262 homozygotes.

Submissions (10):

Labcorp Genetics (formerly Invitae), Labcorp
Classification: Benign. Last evaluated: 2026-02-04. Review status: criteria provided, single submitter. Criteria: Invitae Variant Classification Sherloc (09022015). Collection method: clinical testing. Allele origin: germline.

Women's Health and Genetics/Laboratory Corporation of America, LabCorp
Classification: Benign. Last evaluated: 2025-06-20. Review status: criteria provided, single submitter. Criteria: LabCorp Variant Classification Summary - May 2015. Collection method: clinical testing. Allele origin: germline.

Blueprint Genetics
Classification: Likely benign. Last evaluated: 2024-11-28. Review status: criteria provided, single submitter. Criteria: ACMG Guidelines, 2015. Collection method: clinical testing. Allele origin: germline.

Genome-Nilou Lab
Classification: Benign for Tyrosinase-positive oculocutaneous albinism. Last evaluated: 2021-09-05. Review status: criteria provided, single submitter. Criteria: ACMG Guidelines, 2015. Collection method: clinical testing. Allele origin: germline. Affected: no.

Illumina Laboratory Services, Illumina
Classification: Benign for Tyrosinase-positive oculocutaneous albinism. Last evaluated: 2018-01-12. Review status: criteria provided, single submitter. Criteria: ICSL Variant Classification Criteria 13 December 2019. Collection method: clinical testing. Allele origin: germline.
Comment: This variant was observed in the ICSL laboratory as part of a predisposition screen in an ostensibly healthy population. It had not been previously curated by ICSL or reported in the Human Gene Mutation Database (HGMD: prior to June 1st, 2018), and was therefore a candidate for classification through an automated scoring system. Utilizing variant allele frequency, disease prevalence and penetrance estimates, and inheritance mode, an automated score was calculated to assess if this variant is too frequent to cause the disease. Based on the score and internal cut-off values, a variant classified as benign is not then subjected to further curation. The score for this variant resulted in a classification of benign for this disease.

Eurofins Ntd Llc (ga)
Classification: Benign. Last evaluated: 2015-09-17. Review status: criteria provided, single submitter. Criteria: EGL Classification Definitions 2015. Collection method: clinical testing. Allele origin: germline.

Breakthrough Genomics
Classification: Benign. Review status: criteria provided, single submitter. Criteria: ACMG Guidelines, 2015. Collection method: not provided. Allele origin: germline. Inheritance: Autosomal recessive inheritance. Affected: yes.

PreventionGenetics, part of Exact Sciences
Classification: Benign. Review status: criteria provided, single submitter. Criteria: ACMG Guidelines, 2015. Collection method: clinical testing. Allele origin: germline.

Diagnostic Laboratory, Department of Genetics, University Medical Center Groningen
Classification: Benign. Review status: no assertion criteria provided. Collection method: clinical testing. Allele origin: germline. Affected: yes. Study: VKGL Data-share Consensus. Not counted in ClinVar's aggregate classification.

Joint Genome Diagnostic Labs from Nijmegen and Maastricht, Radboudumc and MUMC+
Classification: Benign. Review status: no assertion criteria provided. Collection method: clinical testing. Allele origin: germline. Affected: yes. Study: VKGL Data-share Consensus. Not counted in ClinVar's aggregate classification.